The following is an entry in ClinVar:

NM_006031.6(PCNT):c.7495-4C>T

Gene: PCNT (pericentrin; plus strand). Cytogenetic location: 21q22.3.
Variant type: single nucleotide variant.
Coding change: c.7495-4C>T on transcript NM_006031.6 (MANE Select); 4 bases into the intron before coding-DNA position 7495, C replaced by T.
Molecular consequence: intron variant.
Genome position (GRCh38, 1-based): chr21:46,428,391, C>T. VCF-style: chr21-46428391-C-T. GRCh37 (hg19) VCF-style: chr21-47848305-C-T.
Other names: c.7141-4C>T (NM_001315529.2).
Identifiers: ClinVar variation 3354564 (VCV003354564.1).

ClinVar aggregate classification (germline): Likely benign (0 of 4 stars; one submission).

Conditions:
PCNT-related disorder. Also called: PCNT-related condition.

gnomAD v4.1: 6 of 1,611,692 alleles (0.00037%); highest among the groups gnomAD compares: South Asian, 0.0044%; no homozygotes.

Submission:

PreventionGenetics, part of Exact Sciences
Classification: Likely benign for PCNT-related condition. Last evaluated: 2022-11-10. Review status: no assertion criteria provided. Collection method: clinical testing. Allele origin: germline.
Comment: This variant is classified as likely benign based on ACMG/AMP sequence variant interpretation guidelines (Richards et al. 2015 PMID: 25741868, with internal and published modifications).